The following is an entry in ClinVar:

NM_001943.5(DSG2):c.238G>A (p.Glu80Lys)

Gene: DSG2 (desmoglein 2; plus strand). Cytogenetic location: 18q12.1.
Variant type: single nucleotide variant.
Coding change: c.238G>A on transcript NM_001943.5 (MANE Select); coding-DNA position 238, G replaced by A.
Protein change: p.Glu80Lys; replaces glutamic acid 80 with lysine.
Molecular consequence: missense variant.
Genome position (GRCh38, 1-based): chr18:31,520,824, G>A. VCF-style: chr18-31520824-G-A. GRCh37 (hg19) VCF-style: chr18-29100787-G-A.
Other names: c.238G>A (NM_001943.3); short protein forms E80K.
Identifiers: ClinVar variation 926902 (VCV000926902.13), dbSNP rs2073123125, ClinGen allele CA402131249.

ClinVar aggregate classification (germline): Uncertain significance. Review status: criteria provided, multiple submitters, no conflicts (2 of 4 stars). 3 submissions from 3 submitters: Uncertain significance (3). Last evaluated 2026-01-10.

Conditions:
Cardiovascular phenotype. Identifiers: MedGen CN230736.
Cardiomyopathy (CMYO). Also called: Cardiomyopathies. Identifiers: Orphanet 167848, MedGen C0878544, MONDO:0004994, HP:0001638. Inheritance: Various modes of inheritance.
Arrhythmogenic right ventricular dysplasia 10. Also called: Arrhythmogenic Right Ventricular Dysplasia/Cardiomyopathy10; Arrhythmogenic right ventricular dysplasia/cardiomyopathy, type 10; ARRHYTHMOGENIC RIGHT VENTRICULAR DYSPLASIA, FAMILIAL, 10. Identifiers: MedGen C1857777, MONDO:0012434, OMIM 610193.

Submissions (3):

Ambry Genetics
Classification: Uncertain significance for Cardiovascular phenotype. Last evaluated: 2026-01-10. Review status: criteria provided, single submitter. Criteria: Ambry Variant Classification Scheme 2023. Collection method: clinical testing. Allele origin: germline.
Comment: The p.E80K variant (also known as c.238G>A), located in coding exon 4 of the DSG2 gene, results from a G to A substitution at nucleotide position 238. The glutamic acid at codon 80 is replaced by lysine, an amino acid with similar properties. This amino acid position is conserved. In addition, the in silico prediction for this alteration is inconclusive. Based on the available evidence, the clinical significance of this variant remains unclear.

Labcorp Genetics (formerly Invitae), Labcorp
Classification: Uncertain significance for Arrhythmogenic right ventricular dysplasia 10. Last evaluated: 2023-12-11. Review status: criteria provided, single submitter. Criteria: Invitae Variant Classification Sherloc (09022015). Collection method: clinical testing. Allele origin: germline.
Comment: This sequence change replaces glutamic acid, which is acidic and polar, with lysine, which is basic and polar, at codon 80 of the DSG2 protein (p.Glu80Lys). This variant is not present in population databases (gnomAD no frequency). This variant has not been reported in the literature in individuals affected with DSG2-related conditions. ClinVar contains an entry for this variant (Variation ID: 926902). Advanced modeling of protein sequence and biophysical properties (such as structural, functional, and spatial information, amino acid conservation, physicochemical variation, residue mobility, and thermodynamic stability) performed at Invitae indicates that this missense variant is not expected to disrupt DSG2 protein function with a negative predictive value of 95%. Algorithms developed to predict the effect of sequence changes on RNA splicing suggest that this variant may create or strengthen a splice site. In summary, the available evidence is currently insufficient to determine the role of this variant in disease. Therefore, it has been classified as a Variant of Uncertain Significance.

Color Diagnostics, LLC DBA Color Health
Classification: Uncertain significance for Cardiomyopathy. Last evaluated: 2023-12-05. Review status: criteria provided, single submitter. Criteria: ACMG Guidelines, 2015. Collection method: clinical testing. Allele origin: germline.
Comment: This missense variant replaces glutamic acid with lysine at codon 80 of the DSG2 protein. Computational prediction tools and conservation analyses are inconclusive regarding the impact of this variant on the protein function. Computational splicing tools suggest that this variant may not impact RNA splicing. To our knowledge, functional assays have not been performed for this variant nor has this variant been reported in individuals affected with cardiovascular disorders in the literature. This variant has not been identified in the general population by the Genome Aggregation Database (gnomAD). Available evidence is insufficient to determine the role of this variant in disease conclusively. Therefore, this variant is classified as a Variant of Uncertain Significance.